The following is an entry in ClinVar:

NM_003835.4(RGS9):c.1203+5G>A

Gene: RGS9 (regulator of G protein signaling 9; plus strand). Cytogenetic location: 17q24.1.
Variant type: single nucleotide variant.
Coding change: c.1203+5G>A on transcript NM_003835.4 (MANE Select); 5 bases into the intron after coding-DNA position 1203, G replaced by A.
Molecular consequence: intron variant.
Genome position (GRCh38, 1-based): chr17:65,204,306, G>A. VCF-style: chr17-65204306-G-A. GRCh37 (hg19) VCF-style: chr17-63200424-G-A.
Other names: c.1194+5G>A (NM_001081955.3, NM_001165933.2).
Identifiers: ClinVar variation 933721 (VCV000933721.6), dbSNP rs770846593, ClinGen allele CA8717949.

ClinVar aggregate classification (germline): Uncertain significance. Review status: criteria provided, multiple submitters, no conflicts (2 of 4 stars). 2 submissions from 2 submitters: Uncertain significance (2). Last evaluated 2022-06-13.

Allele frequency attached by ClinVar (database versions not stated): gnomAD exomes 0.00001 and 0.00002; TOPMed 0.00002; ExAC 0.00003; gnomAD 0.00005 and 0.00006.

Submissions (2):

Labcorp Genetics (formerly Invitae), Labcorp
Classification: Uncertain significance. Last evaluated: 2022-06-13. Review status: criteria provided, single submitter. Criteria: Invitae Variant Classification Sherloc (09022015). Collection method: clinical testing. Allele origin: germline.
Comment: In summary, the available evidence is currently insufficient to determine the role of this variant in disease. Therefore, it has been classified as a Variant of Uncertain Significance. Variants that disrupt the consensus splice site are a relatively common cause of aberrant splicing (PMID: 17576681, 9536098). Algorithms developed to predict the effect of sequence changes on RNA splicing suggest that this variant is not likely to affect RNA splicing. ClinVar contains an entry for this variant (Variation ID: 933721). This variant has not been reported in the literature in individuals affected with RGS9-related conditions. This variant is present in population databases (rs770846593, gnomAD 0.02%). This sequence change falls in intron 15 of the RGS9 gene. It does not directly change the encoded amino acid sequence of the RGS9 protein. It affects a nucleotide within the consensus splice site.

Blueprint Genetics
Classification: Uncertain significance. Last evaluated: 2019-10-07. Review status: criteria provided, single submitter. Criteria: ACMG Guidelines, 2015. Collection method: clinical testing. Allele origin: germline.

Literature cited by the submitters: PubMed 17576681 (cited by Labcorp Genetics (formerly Invitae), Labcorp); PubMed 9536098 (cited by Labcorp Genetics (formerly Invitae), Labcorp).